The following is an entry in ClinVar:

ClinVar aggregate classification (germline): Likely benign. Review status: criteria provided, multiple submitters, no conflicts (2 of 4 stars). 2 submissions from 2 submitters: Likely benign (2). Last evaluated 2025-06-24.

Conditions:
Congenital contractural arachnodactyly (CCA). Also called: BEALS SYNDROME; Arthrogryposis, distal, type 9; Beals-Hecht syndrome. Identifiers: Orphanet 115, MedGen C0220668, MONDO:0007363, OMIM 121050.

Allele frequency attached by ClinVar (database versions not stated): gnomAD exomes 0.00002; TOPMed 0.00002; ESP Exome Variant Server 0.00008.
gnomAD v4.1: 29 of 1,597,148 alleles (0.0018%); highest among the groups gnomAD compares: African/African-American, 0.0094%; no homozygotes.

Submissions (2):

Labcorp Genetics (formerly Invitae), Labcorp
Classification: Likely benign for Congenital contractural arachnodactyly. Last evaluated: 2025-06-24. Review status: criteria provided, single submitter. Criteria: Invitae Variant Classification Sherloc (09022015). Collection method: clinical testing. Allele origin: germline.

GeneDx
Classification: Likely benign. Last evaluated: 2018-03-20. Review status: criteria provided, single submitter. Criteria: GeneDx Variant Classification (06012015). Collection method: clinical testing. Allele origin: germline. Affected: yes.
Comment: This variant is considered likely benign or benign based on one or more of the following criteria: it is a conservative change, it occurs at a poorly conserved position in the protein, it is predicted to be benign by multiple in silico algorithms, and/or has population frequency not consistent with disease.

NM_001999.4(FBN2):c.4880-12A>G

Gene: FBN2 (fibrillin 2; minus strand). Cytogenetic location: 5q23.3.
Variant type: single nucleotide variant.
Coding change: c.4880-12A>G on transcript NM_001999.4 (MANE Select); 12 bases into the intron before coding-DNA position 4880, A replaced by G.
Molecular consequence: intron variant.
Genome position (GRCh38, 1-based): chr5:128,311,965, T>C on the plus strand (A>G on the coding strand, the complement: FBN2 is on the minus strand). VCF-style: chr5-128311965-T-C. GRCh37 (hg19) VCF-style: chr5-127647657-T-C.
Identifiers: ClinVar variation 680886 (VCV000680886.6), dbSNP rs376111927, ClinGen allele CA3394834.